The following is an entry in ClinVar:

NC_000007.14:g.156791418G>A

Genes: LMBR1 (limb development membrane protein 1; minus strand), SHH (sonic hedgehog signaling molecule; minus strand), ZRS (ZPA regulatory sequence; plus strand). Cytogenetic location: 7q36.3.
Variant type: single nucleotide variant.
Molecular consequence: intron variant (on NM_022458.4).
Genome position: GRCh38 VCF-style: chr7-156791418-G-A. GRCh37 (hg19) VCF-style: chr7-156584112-G-A.
Other names: c.360+4971C>T (NM_001363412.2); c.144+4971C>T (NM_001350954.2); c.423+4971C>T (NM_001363410.2, NM_022458.4, NM_001363409.2 and 1 more transcripts); c.-112+4971C>T (NM_001350958.2, NM_001350956.2, NM_001350955.2 and 1 more transcripts); c.54+4971C>T (NM_001350957.2, NM_001363411.2).
Identifiers: ClinVar variation 3355117 (VCV003355117.1).

ClinVar aggregate classification (germline): Likely benign (0 of 4 stars; one submission).

Conditions:
SHH-related disorder. Also called: SHH-related condition; SHH-related disorders.

gnomAD v4.1: 8 of 152,272 alleles (0.0053%); highest among the groups gnomAD compares: Non-Finnish European, 0.0074%; no homozygotes.

Submission:

PreventionGenetics, part of Exact Sciences
Classification: Likely benign for SHH-related condition. Last evaluated: 2024-08-11. Review status: no assertion criteria provided. Collection method: clinical testing. Allele origin: germline.
Comment: This variant is classified as likely benign based on ACMG/AMP sequence variant interpretation guidelines (Richards et al. 2015 PMID: 25741868, with internal and published modifications).